The following is an entry in ClinVar:

ClinVar aggregate classification (germline): Pathogenic (1 of 4 stars; one submission).

Submission:

Labcorp Genetics (formerly Invitae), Labcorp
Classification: Pathogenic. Last evaluated: 2024-02-24. Review status: criteria provided, single submitter. Criteria: Invitae Variant Classification Sherloc (09022015). Collection method: clinical testing. Allele origin: germline.
Comment: This sequence change creates a premature translational stop signal (p.Lys324Asnfs*6) in the MCM3AP gene. It is expected to result in an absent or disrupted protein product. Loss-of-function variants in MCM3AP are known to be pathogenic (PMID: 28633435). This variant is not present in population databases (gnomAD no frequency). This variant has not been reported in the literature in individuals affected with MCM3AP-related conditions. For these reasons, this variant has been classified as Pathogenic.

Literature cited by the submitters: PubMed 28633435.

NM_003906.5(MCM3AP):c.972del (p.Lys324fs)

Gene: MCM3AP (minichromosome maintenance complex component 3 associated protein; minus strand). Cytogenetic location: 21q22.3.
Variant type: Deletion.
Coding change: c.972del on transcript NM_003906.5 (MANE Select); coding-DNA position 972, one base deleted (A; older notation c.972delA).
Protein change: p.Lys324fs; shifts the reading frame from lysine 324.
Molecular consequence: frameshift variant.
Genome position (GRCh38, 1-based): chr21:46,284,315, T deleted on the plus strand (A on the coding strand, the reverse complement: MCM3AP is on the minus strand); the first of 3 consecutive T bases (chr21:46,284,315-46,284,317); deleting any one gives the same sequence. VCF-style (leftmost placement, unchanged base first): chr21-46284314-GT-G. GRCh37 (hg19) VCF-style: chr21-47704228-GT-G.
Other names: short protein forms K324fs.
Identifiers: ClinVar variation 3709489 (VCV003709489.2).